The following is an entry in ClinVar:

ClinVar aggregate classification (germline): Likely benign. Review status: criteria provided, multiple submitters, no conflicts (2 of 4 stars). 4 submissions from 4 submitters: Likely benign (4). Last evaluated 2026-08-01.

Conditions:
USH2A-related disorder. Also called: USH2A-related condition; USH2A-related disorders. Identifiers: MedGen CN239332.

Allele frequency attached by ClinVar (database versions not stated): ExAC 0.00001; gnomAD 0.00002; gnomAD exomes 0.00002 and 0.00004; TOPMed 0.00002.
gnomAD v4.1: 75 of 1,613,568 alleles (0.0046%); highest among the groups gnomAD compares: Non-Finnish European, 0.0053%; no homozygotes.

Submissions (4):

CeGaT Center for Human Genetics Tuebingen
Classification: Likely benign. Last evaluated: 2026-08-01. Review status: criteria provided, single submitter. Criteria: CeGaT Center For Human Genetics Tuebingen Variant Classification Criteria Version 2. Collection method: clinical testing. Allele origin: germline. Affected: yes. Observed: 2 variant alleles.
Comment: USH2A: BP4, BP7

Labcorp Genetics (formerly Invitae), Labcorp
Classification: Likely benign. Last evaluated: 2026-01-27. Review status: criteria provided, single submitter. Criteria: Invitae Variant Classification Sherloc (09022015). Collection method: clinical testing. Allele origin: germline.

PreventionGenetics, part of Exact Sciences
Classification: Likely benign for USH2A-related condition. Last evaluated: 2024-10-10. Review status: criteria provided, single submitter. Criteria: ACMG Guidelines, 2015. Collection method: clinical testing. Allele origin: germline.
Comment: This variant is classified as likely benign based on ACMG/AMP sequence variant interpretation guidelines (Richards et al. 2015 PMID: 25741868, with internal and published modifications).

Blueprint Genetics
Classification: Likely benign. Last evaluated: 2020-01-07. Review status: criteria provided, single submitter. Criteria: ACMG Guidelines, 2015. Collection method: clinical testing. Allele origin: germline.

NM_206933.4(USH2A):c.14349C>T (p.Ser4783=)

Gene: USH2A (usherin; minus strand). Cytogenetic location: 1q41.
Variant type: single nucleotide variant.
Coding change: c.14349C>T on transcript NM_206933.4 (MANE Select); coding-DNA position 14349, C replaced by T.
Protein change: p.Ser4783=; no amino-acid change (serine 4783 retained).
Molecular consequence: synonymous variant.
Genome position (GRCh38, 1-based): chr1:215,648,761, G>A on the plus strand (C>T on the coding strand, the complement: USH2A is on the minus strand). VCF-style: chr1-215648761-G-A. GRCh37 (hg19) VCF-style: chr1-215822103-G-A.
Identifiers: ClinVar variation 797207 (VCV000797207.13), dbSNP rs770927582, ClinGen allele CA1393038.